The following is an entry in ClinVar:

NM_144585.4(SLC22A12):c.1355T>A (p.Ile452Asn)

Gene: SLC22A12 (solute carrier family 22 member 12; plus strand). Cytogenetic location: 11q13.1.
Variant type: single nucleotide variant.
Coding change: c.1355T>A on transcript NM_144585.4 (MANE Select); coding-DNA position 1355, T replaced by A.
Protein change: p.Ile452Asn; replaces isoleucine 452 with asparagine.
Molecular consequence: missense variant.
Genome position (GRCh38, 1-based): chr11:64,600,436, T>A. VCF-style: chr11-64600436-T-A. GRCh37 (hg19) VCF-style: chr11-64367908-T-A.
Other names: c.1355T>A (NM_144585.2); c.1253T>A, p.Ile418Asn (NM_001276326.2); c.1031T>A, p.Ile344Asn (NM_001276327.2); c.692T>A, p.Ile231Asn (NM_153378.3); short protein forms I418N, I344N, I452N, I231N.
Identifiers: ClinVar variation 2173945 (VCV002173945.6), dbSNP rs757694037, ClinGen allele CA6077415.
Genomic context (GRCh38, chr11:64,600,436, plus strand): 5'-CTCTGCGCTCAGCCTTGGCCGTGCTGGGGCTGGGCGGGGTGGGGGCTGCCTTCACCTGCA[T>A]CACCATCTACAGCAGCGAGCTCTTCCCCACTGTGCTCAGGTGAGGCTGGGCCTGGGCTCC-3'
Protein context (NP_653186.2, residues 442-462): LGGVGAAFTC[Ile452Asn]TIYSSELFPT

ClinVar aggregate classification (germline): Uncertain significance. Review status: criteria provided, multiple submitters, no conflicts (2 of 4 stars). 3 submissions from 3 submitters: Uncertain significance (3). Last evaluated 2025-03-06.

Conditions:
Inborn genetic diseases. Identifiers: MedGen C0950123, MeSH D030342.
Dalmatian hypouricemia (RHUC1). Identifiers: MedGen C0473219, MONDO:0020728, OMIM 220150.

Allele frequency attached by ClinVar (database versions not stated): ExAC 0.00002; gnomAD exomes 0.00002; TOPMed 0.00003.
gnomAD v4.1: 10 of 1,608,196 alleles (0.00062%); highest among the groups gnomAD compares: Admixed American, 0.015%; no homozygotes.

Submissions (3):

Ambry Genetics
Classification: Uncertain significance for Inborn genetic diseases. Last evaluated: 2025-03-06. Review status: criteria provided, single submitter. Criteria: Ambry Variant Classification Scheme 2023. Collection method: clinical testing. Allele origin: germline.

Fulgent Genetics
Classification: Uncertain significance for Dalmatian hypouricemia. Last evaluated: 2024-04-29. Review status: criteria provided, single submitter. Criteria: ACMG Guidelines, 2015. Collection method: clinical testing. Allele origin: germline.

Labcorp Genetics (formerly Invitae), Labcorp
Classification: Uncertain significance. Last evaluated: 2022-05-15. Review status: criteria provided, single submitter. Criteria: Invitae Variant Classification Sherloc (09022015). Collection method: clinical testing. Allele origin: germline.
Comment: In summary, the available evidence is currently insufficient to determine the role of this variant in disease. Therefore, it has been classified as a Variant of Uncertain Significance. Algorithms developed to predict the effect of missense changes on protein structure and function are either unavailable or do not agree on the potential impact of this missense change (SIFT: "Deleterious"; PolyPhen-2: "Possibly Damaging"; Align-GVGD: "Class C0"). This variant has not been reported in the literature in individuals affected with SLC22A12-related conditions. This variant is present in population databases (rs757694037, gnomAD 0.03%). This sequence change replaces isoleucine, which is neutral and non-polar, with asparagine, which is neutral and polar, at codon 452 of the SLC22A12 protein (p.Ile452Asn).